The following is an entry in ClinVar:

ClinVar aggregate classification (germline): Uncertain significance (1 of 4 stars; one submission).

Conditions:
Congenital contractural arachnodactyly (CCA). Also called: BEALS SYNDROME; Beals-Hecht syndrome; Arthrogryposis, distal, type 9. Identifiers: Orphanet 115, MedGen C0220668, MONDO:0007363, OMIM 121050.

Submission:

Labcorp Genetics (formerly Invitae), Labcorp
Classification: Uncertain significance for Congenital contractural arachnodactyly. Last evaluated: 2025-10-07. Review status: criteria provided, single submitter. Criteria: Invitae Variant Classification Sherloc (09022015). Collection method: clinical testing. Allele origin: germline.
Comment: This sequence change replaces glycine, which is neutral and non-polar, with arginine, which is basic and polar, at codon 1030 of the FBN2 protein (p.Gly1030Arg). This variant is not present in population databases (gnomAD no frequency). This missense change has been observed in individual(s) with congenital contractural arachnodactyly (PMID: 35360850). Invitae Evidence Modeling of protein sequence and biophysical properties (such as structural, functional, and spatial information, amino acid conservation, physicochemical variation, residue mobility, and thermodynamic stability) indicates that this missense variant is expected to disrupt FBN2 protein function with a positive predictive value of 80%. In summary, the available evidence is currently insufficient to determine the role of this variant in disease. Therefore, it has been classified as a Variant of Uncertain Significance.

Literature cited by the submitters: PubMed 35360850.

NM_001999.4(FBN2):c.3088G>A (p.Gly1030Arg)

Genes: FBN2 (fibrillin 2; minus strand), LOC126807501 (BRD4-independent group 4 enhancer GRCh37_chr5:127680731-127681930; plus strand). Cytogenetic location: 5q23.3.
Variant type: single nucleotide variant.
Coding change: c.3088G>A on transcript NM_001999.4 (MANE Select); coding-DNA position 3088, G replaced by A.
Protein change: p.Gly1030Arg; replaces glycine 1030 with arginine.
Molecular consequence: missense variant.
Genome position (GRCh38, 1-based): chr5:128,345,486, C>T on the plus strand (G>A on the coding strand, the complement: FBN2 is on the minus strand). VCF-style: chr5-128345486-C-T. GRCh37 (hg19) VCF-style: chr5-127681178-C-T.
Other names: short protein forms G1030R.
Identifiers: ClinVar variation 4796845 (VCV004796845.1).